The following is an entry in ClinVar:

ClinVar aggregate classification (germline): Pathogenic. Review status: criteria provided, multiple submitters, no conflicts (2 of 4 stars). 4 submissions from 4 submitters: Pathogenic (4). Last evaluated 2024-11-13.

Conditions:
Osteogenesis imperfecta type I (OI1). Also called: Lobstein disease; OI, TYPE I; OSTEOGENESIS IMPERFECTA TARDA; OSTEOGENESIS IMPERFECTA WITH BLUE SCLERAE; Lobstein's Disease; Osteogenesis imperfecta type 1. Identifiers: Orphanet 216796, Orphanet 666, MedGen C0023931, MONDO:0008146, OMIM 166200. Disease mechanism: loss of function.

Submissions (4):

Labcorp Genetics (formerly Invitae), Labcorp
Classification: Pathogenic for Osteogenesis imperfecta type I. Last evaluated: 2024-11-13. Review status: criteria provided, single submitter. Criteria: Invitae Variant Classification Sherloc (09022015). Collection method: clinical testing. Allele origin: germline.
Comment: This sequence change creates a premature translational stop signal (p.Pro1165Leufs*74) in the COL1A1 gene. It is expected to result in an absent or disrupted protein product. Loss-of-function variants in COL1A1 are known to be pathogenic (PMID: 7942841, 9295084, 9443882). This variant is not present in population databases (gnomAD no frequency). This premature translational stop signal has been observed in individual(s) with clinical features of osteogenesis imperfecta (PMID: 31447884). This variant is also known as c.3489_delG. ClinVar contains an entry for this variant (Variation ID: 804337). For these reasons, this variant has been classified as Pathogenic.

Laboratory of Medical Genetics, National & Kapodistrian University of Athens
Classification: Pathogenic for Osteogenesis imperfecta type I. Last evaluated: 2021-10-01. Review status: criteria provided, single submitter. Criteria: ACMG Guidelines, 2015. Collection method: clinical testing. Allele origin: unknown. Affected: yes.
Comment: PVS1, PM2, PP3, PP4

Molecular Diagnostics Laboratory, M Health Fairview: University of Minnesota
Classification: Pathogenic for Osteogenesis imperfecta type I. Last evaluated: 2019-05-24. Review status: criteria provided, single submitter. Criteria: ACMG Guidelines, 2015. Collection method: clinical testing. Allele origin: germline. Affected: yes. Observed: 1 variant allele.

Athena Diagnostics
Classification: Pathogenic. Last evaluated: 2018-12-10. Review status: criteria provided, single submitter. Criteria: Athena Diagnostics Criteria. Collection method: clinical testing. Allele origin: germline.
Comment: The variant results in a shift of the reading frame, and is therefore predicted to result in the loss of a functional protein. Found in at least one symptomatic patient, and not found in general population data.

Literature cited by the submitters: PubMed 7942841 (cited by Labcorp Genetics (formerly Invitae), Labcorp); PubMed 9295084 (cited by Labcorp Genetics (formerly Invitae), Labcorp); PubMed 9443882 (cited by Labcorp Genetics (formerly Invitae), Labcorp); PubMed 31447884 (cited by Labcorp Genetics (formerly Invitae), Labcorp); PubMed 34008892 (cited by Laboratory of Medical Genetics, National & Kapodistrian University of Athens).

NM_000088.4(COL1A1):c.3494del (p.Pro1165fs)

Gene: COL1A1 (collagen type I alpha 1 chain; minus strand). Cytogenetic location: 17q21.33.
Variant type: Deletion.
Coding change: c.3494del on transcript NM_000088.4 (MANE Select); coding-DNA position 3494, one base deleted (C; older notation c.3494delC).
Protein change: p.Pro1165fs; shifts the reading frame from proline 1165.
Molecular consequence: frameshift variant.
Genome position (GRCh38, 1-based): chr17:50,187,052, G deleted on the plus strand (C on the coding strand, the reverse complement: COL1A1 is on the minus strand); the first of 5 consecutive G bases (chr17:50,187,052-50,187,056); deleting any one gives the same sequence. VCF-style (leftmost placement, unchanged base first): chr17-50187051-AG-A. GRCh37 (hg19) VCF-style: chr17-48264412-AG-A.
Other names: c.3494del (NM_000088.3); short protein forms P1165fs.
Identifiers: ClinVar variation 804337 (VCV000804337.5), dbSNP rs1598286050, ClinGen allele CA915950593.